The following is an entry in ClinVar:

NM_001099274.3(TINF2):c.1231G>C (p.Glu411Gln)

Gene: TINF2 (TERF1 interacting nuclear factor 2; minus strand). Cytogenetic location: 14q12.
Variant type: single nucleotide variant.
Coding change: c.1231G>C on transcript NM_001099274.3 (MANE Select); coding-DNA position 1231, G replaced by C.
Protein change: p.Glu411Gln; replaces glutamic acid 411 with glutamine.
Molecular consequence: missense variant. On other transcripts: 3 prime UTR variant (1).
Genome position (GRCh38, 1-based): chr14:24,239,922, C>G on the plus strand (G>C on the coding strand, the complement: TINF2 is on the minus strand). VCF-style: chr14-24239922-C-G. GRCh37 (hg19) VCF-style: chr14-24709128-C-G.
Other names: c.1126G>C, p.Glu376Gln (NM_001363668.2); c.*493G>C (NM_012461.3); short protein forms E411Q, E376Q.
Identifiers: ClinVar variation 2716541 (VCV002716541.3), dbSNP rs2502448815, ClinGen allele CA389220359.
Genomic context (GRCh38, chr14:24,239,922, plus strand): 5'-GGGGTAGGTATTCACAGAGAGTGGGTATCAAGGTGTCAAACTTTGTCTTCTGATAGTTTT[C>G]CAGAGATTCCTGTAGAGAAGGGAGCAGGGAGAGCCTACTATCCGAAACCATTCCCTGAAC-3'
Protein context (NP_001092744.1, residues 401-421): NGQGEGKESL[Glu411Gln]NYQKTKFDTL

ClinVar aggregate classification (germline): Uncertain significance (1 of 4 stars; one submission).

Conditions:
Dyskeratosis congenita. Identifiers: Orphanet 1775, MedGen C0265965, MONDO:0015780.

Submission:

Labcorp Genetics (formerly Invitae), Labcorp
Classification: Uncertain significance for Dyskeratosis congenita. Last evaluated: 2023-04-27. Review status: criteria provided, single submitter. Criteria: Invitae Variant Classification Sherloc (09022015). Collection method: clinical testing. Allele origin: germline.
Comment: In summary, the available evidence is currently insufficient to determine the role of this variant in disease. Therefore, it has been classified as a Variant of Uncertain Significance. Algorithms developed to predict the effect of sequence changes on RNA splicing suggest that this variant may disrupt the consensus splice site. An algorithm developed to predict the effect of missense changes on protein structure and function (PolyPhen-2) suggests that this variant is likely to be tolerated. This variant has not been reported in the literature in individuals affected with TINF2-related conditions. This variant is not present in population databases (gnomAD no frequency). This sequence change replaces glutamic acid, which is acidic and polar, with glutamine, which is neutral and polar, at codon 411 of the TINF2 protein (p.Glu411Gln).